The following is an entry in ClinVar:

ClinVar aggregate classification (germline): Uncertain significance (1 of 4 stars; one submission).

gnomAD v4.1: 21 of 1,614,034 alleles (0.0013%); highest among the groups gnomAD compares: African/African-American, 0.0093%; no homozygotes.

Submission:

Women's Health and Genetics/Laboratory Corporation of America, LabCorp
Classification: Uncertain significance. Last evaluated: 2026-02-27. Review status: criteria provided, single submitter. Criteria: LabCorp Variant Classification Summary - May 2015. Collection method: clinical testing. Allele origin: germline.
Comment: Variant summary: SYNE1 c.22486C>T (p.Arg7496Cys) results in a non-conservative amino acid change in the encoded protein sequence. Algorithms developed to predict the effect of missense changes on protein structure and function are either unavailable or do not agree on the potential impact of this missense change. The variant allele was found at a frequency of 2e-05 in 251152 control chromosomes. The available data on variant occurrences in the general population are insufficient to allow any conclusion about variant significance. To our knowledge, no occurrence of c.22486C>T in individuals affected with SYNE1-related conditions and no experimental evidence demonstrating its impact on protein function have been reported. No submitters have cited clinical-significance assessments for this variant to ClinVar. Based on the evidence outlined above, the variant was classified as uncertain significance.

NM_182961.4(SYNE1):c.22699C>T (p.Arg7567Cys)

Gene: SYNE1 (spectrin repeat containing nuclear envelope protein 1; minus strand). Cytogenetic location: 6q25.2.
Variant type: single nucleotide variant.
Coding change: c.22699C>T on transcript NM_182961.4 (MANE Select); coding-DNA position 22699, C replaced by T.
Protein change: p.Arg7567Cys; replaces arginine 7567 with cysteine.
Molecular consequence: missense variant.
Genome position (GRCh38, 1-based): chr6:152,208,097, G>A on the plus strand (C>T on the coding strand, the complement: SYNE1 is on the minus strand). VCF-style: chr6-152208097-G-A. GRCh37 (hg19) VCF-style: chr6-152529232-G-A.
Other names: c.22486C>T, p.Arg7496Cys (NM_033071.5); short protein forms R7496C, R7567C.
Identifiers: ClinVar variation 4848173 (VCV004848173.1).